The following is an entry in ClinVar:

NM_033026.6(PCLO):c.4027G>C (p.Asp1343His)

Gene: PCLO (piccolo presynaptic cytomatrix protein; minus strand). Cytogenetic location: 7q21.11.
Variant type: single nucleotide variant.
Coding change: c.4027G>C on transcript NM_033026.6 (MANE Select); coding-DNA position 4027, G replaced by C.
Protein change: p.Asp1343His; replaces aspartic acid 1343 with histidine.
Molecular consequence: missense variant.
Genome position (GRCh38, 1-based): chr7:82,956,926, C>G on the plus strand (G>C on the coding strand, the complement: PCLO is on the minus strand). VCF-style: chr7-82956926-C-G. GRCh37 (hg19) VCF-style: chr7-82586242-C-G.
Other names: c.4027G>C, p.Asp1343His (NM_014510.3); short protein forms D1343H.
Identifiers: ClinVar variation 1929200 (VCV001929200.4), dbSNP rs1242445733, ClinGen allele CA367929106.

ClinVar aggregate classification (germline): Uncertain significance. Review status: criteria provided, multiple submitters, no conflicts (2 of 4 stars). 2 submissions from 2 submitters: Uncertain significance (2). Last evaluated 2022-08-17.

Conditions:
Inborn genetic diseases. Identifiers: MedGen C0950123, MeSH D030342.

Allele frequency attached by ClinVar (database versions not stated): gnomAD exomes below 0.00001.
gnomAD v4.1: 1 of 1,593,450 alleles (0.000063%); highest among the groups gnomAD compares: Admixed American, 0.0018%; no homozygotes.

Submissions (2):

Ambry Genetics
Classification: Uncertain significance for Inborn genetic diseases. Last evaluated: 2022-08-17. Review status: criteria provided, single submitter. Criteria: Ambry Variant Classification Scheme 2023. Collection method: clinical testing. Allele origin: germline.

Labcorp Genetics (formerly Invitae), Labcorp
Classification: Uncertain significance. Last evaluated: 2022-07-24. Review status: criteria provided, single submitter. Criteria: Invitae Variant Classification Sherloc (09022015). Collection method: clinical testing. Allele origin: germline.
Comment: In summary, the available evidence is currently insufficient to determine the role of this variant in disease. Therefore, it has been classified as a Variant of Uncertain Significance. Algorithms developed to predict the effect of missense changes on protein structure and function are either unavailable or do not agree on the potential impact of this missense change (SIFT: "Deleterious"; PolyPhen-2: "Not Available"; Align-GVGD: "Class C0"). This variant has not been reported in the literature in individuals affected with PCLO-related conditions. This variant is present in population databases (no rsID available, gnomAD 0.003%). This sequence change replaces aspartic acid, which is acidic and polar, with histidine, which is basic and polar, at codon 1343 of the PCLO protein (p.Asp1343His).